The following is an entry in ClinVar:

NM_001386298.1(CIC):c.4169_4170insT (p.Glu1391fs)

Gene: CIC (capicua transcriptional repressor; plus strand). Cytogenetic location: 19q13.2.
Variant type: Insertion.
Coding change: c.4169_4170insT on transcript NM_001386298.1 (MANE Select); coding-DNA positions 4169 to 4170, T inserted.
Protein change: p.Glu1391fs; shifts the reading frame from glutamic acid 1391.
Molecular consequence: frameshift variant.
Genome position: GRCh38 VCF-style: chr19-42289929-G-GT. GRCh37 (hg19) VCF-style: chr19-42794081-G-GT.
Other names: c.4169_4170insT, p.Glu1391fs (NM_001304815.2, NM_001379480.1, NM_001379482.1 and 6 more transcripts); c.1442_1443insT, p.Glu482fs (NM_001379484.1, NM_001379485.1, NM_001439189.1 and 3 more transcripts); short protein forms E1391fs, E482fs.
Identifiers: ClinVar variation 4845401 (VCV004845401.1).

ClinVar aggregate classification (germline): Pathogenic (1 of 4 stars; one submission).

Conditions:
Intellectual developmental disorder, autosomal dominant 45. Also called: MENTAL RETARDATION, AUTOSOMAL DOMINANT 45; Intellectual disability, autosomal dominant 45. Identifiers: MedGen C4539848, MONDO:0030910, OMIM 617600.

Submission:

Institute of Human Genetics, University of Leipzig Medical Center
Classification: Pathogenic for Intellectual developmental disorder, autosomal dominant 45. Last evaluated: 2026-03-24. Review status: criteria provided, single submitter. Criteria: ACMG Guidelines, 2015. Collection method: clinical testing. Allele origin: unknown. Inheritance: Autosomal dominant inheritance. Affected: yes.
Comment: Criteria applied: PVS1,PM2